The following is an entry in ClinVar:

ClinVar aggregate classification (germline): Conflicting classifications of pathogenicity. Review status: criteria provided, conflicting classifications (1 of 4 stars). 10 submissions from 10 submitters: Uncertain significance (3); Benign (2); Likely benign (2). 3 of the submissions do not count toward it. Last evaluated 2026-01-26.

Conditions:
USH2A-related disorder. Also called: USH2A-related condition; USH2A-related disorders. Identifiers: MedGen CN239332.
Retinal dystrophy. Also called: Inherited retinal dystrophy. Identifiers: Orphanet 71862, MedGen C0854723, MeSH D058499, MONDO:0019118, HP:0000556.
Usher syndrome type 2A. Also called: RETINAL DISEASE IN USHER SYNDROME TYPE IIA, MODIFIER OF; USHER SYNDROME, TYPE IIA. Identifiers: Orphanet 231178, Orphanet 886, MedGen C1848634, MONDO:0010169, OMIM 276901.

Allele frequency attached by ClinVar (database versions not stated): gnomAD 0.00005 and 0.00019; TOPMed 0.00015; gnomAD exomes 0.00039 and 0.00079; 1000 Genomes Project 30x 0.00094; ExAC 0.00095; 1000 Genomes Project 0.00120.
gnomAD v4.1: 605 of 1,612,932 alleles (0.038%); highest among the groups gnomAD compares: South Asian, 0.57%; 5 homozygotes.

Submissions (10):

Labcorp Genetics (formerly Invitae), Labcorp
Classification: Benign. Last evaluated: 2026-01-26. Review status: criteria provided, single submitter. Criteria: Invitae Variant Classification Sherloc (09022015). Collection method: clinical testing. Allele origin: germline.

Blueprint Genetics
Classification: Likely benign. Last evaluated: 2024-08-12. Review status: criteria provided, single submitter. Criteria: ACMG Guidelines, 2015. Collection method: clinical testing. Allele origin: germline.

Women's Health and Genetics/Laboratory Corporation of America, LabCorp
Classification: Uncertain significance. Last evaluated: 2022-12-08. Review status: criteria provided, single submitter. Criteria: LabCorp Variant Classification Summary - May 2015. Collection method: clinical testing. Allele origin: germline.
Comment: Variant summary: USH2A c.9110G>A (p.Arg3037His) results in a non-conservative amino acid change located in the Fibronectin type III (IPR003961) of the encoded protein sequence. Three of five in-silico tools predict a damaging effect of the variant on protein function. The variant allele was found at a frequency of 0.00079 in 249924 control chromosomes, predominantly at a frequency of 0.006 within the South Asian subpopulation in the gnomAD database, including 1 homozygote. This frequency is not significantly higher than expected for a pathogenic variant in USH2A causing Usher Syndrome (0.00079 vs 0.011), allowing no conclusion about variant significance. To our knowledge, no occurrence of c.9110G>A in individuals affected with Usher Syndrome and no experimental evidence demonstrating its impact on protein function have been reported. Five laboratories have submitted clinical-significance assessments for this variant to ClinVar after 2014, with one laboratory classifying it as uncertain significance and four as benign or likely benign. Based on the evidence outlined above, the variant was classified as uncertain significance.

Genome-Nilou Lab
Classification: Uncertain significance for Usher syndrome type 2A. Last evaluated: 2021-06-10. Review status: criteria provided, single submitter. Criteria: ACMG Guidelines, 2015. Collection method: clinical testing. Allele origin: germline. Affected: no.

GeneDx
Classification: Likely benign. Last evaluated: 2021-01-19. Review status: criteria provided, single submitter. Criteria: GeneDx Variant Classification Process June 2021. Collection method: clinical testing. Allele origin: germline. Affected: yes.
Comment: This variant is associated with the following publications: (PMID: 25275298)

Revvity Omics, Revvity
Classification: Uncertain significance. Last evaluated: 2020-03-23. Review status: criteria provided, single submitter. Criteria: ACMG Guidelines, 2015. Collection method: clinical testing. Allele origin: germline.

Laboratory for Molecular Medicine, Mass General Brigham Personalized Medicine
Classification: Benign. Last evaluated: 2015-02-20. Review status: criteria provided, single submitter. Criteria: LMM Criteria. Collection method: clinical testing. Allele origin: germline. Observed: 3 variant alleles.
Comment: p.Arg3037His in exon 46 of USH2A: This variant is not expected to have clinical significance because it has been identified in 0.7% (109/16492) of South Asian c hromosomes by the Exome Aggregation Consortium (ExAC .org; dbSNP rs533700989), and due to a lack of conservation across species, incl uding mammals. Of note, 10 have a histidine (His) at this position despite high nearby amino acid conservation.

Natera, Inc.
Classification: Likely benign for Usher syndrome type 2A. Last evaluated: 2020-06-03. Review status: no assertion criteria provided. Collection method: clinical testing. Allele origin: germline. Not counted in ClinVar's aggregate classification.

PreventionGenetics, part of Exact Sciences
Classification: Likely benign for USH2A-related condition. Last evaluated: 2019-09-18. Review status: no assertion criteria provided. Collection method: clinical testing. Allele origin: germline. Not counted in ClinVar's aggregate classification.
Comment: This variant is classified as likely benign based on ACMG/AMP sequence variant interpretation guidelines (Richards et al. 2015 PMID: 25741868, with internal and published modifications).

Institute of Human Genetics, Univ. Regensburg, Univ. Regensburg
Classification: Uncertain significance for Retinal dystrophy. Last evaluated: 2012-01-01. Review status: no assertion criteria provided. Criteria: ACMG Guidelines, 2015. Collection method: clinical testing. Allele origin: germline. Affected: yes. Not counted in ClinVar's aggregate classification.

NM_206933.4(USH2A):c.9110G>A (p.Arg3037His)

Gene: USH2A (usherin; minus strand). Cytogenetic location: 1q41.
Variant type: single nucleotide variant.
Coding change: c.9110G>A on transcript NM_206933.4 (MANE Select); coding-DNA position 9110, G replaced by A.
Protein change: p.Arg3037His; replaces arginine 3037 with histidine.
Molecular consequence: missense variant.
Genome position (GRCh38, 1-based): chr1:215,844,442, C>T on the plus strand (G>A on the coding strand, the complement: USH2A is on the minus strand). VCF-style: chr1-215844442-C-T. GRCh37 (hg19) VCF-style: chr1-216017784-C-T.
Other names: short protein forms R3037H.
Identifiers: ClinVar variation 227148 (VCV000227148.28), dbSNP rs533700989, ClinGen allele CA1394400.